The following is an entry in ClinVar:

ClinVar aggregate classification (germline): Uncertain significance (1 of 4 stars; one submission).

Conditions:
Singleton-Merten syndrome 1 (SGMRT1). Also called: Widened medullary cavities of bone, aortic calcification, abnormal dentition, and muscular weakness; Syndrome of widened medullary cavities of the metacarpals and phalanges, aortic calcification and abnormal dentition. Identifiers: Orphanet 85191, MedGen C4225427, MONDO:0024535, OMIM 182250.
Aicardi-Goutieres syndrome 7 (AGS7). Identifiers: Orphanet 51, MedGen C3888244, MONDO:0014367, OMIM 615846.

Allele frequency attached by ClinVar (database versions not stated): gnomAD 0.00001.
gnomAD v4.1: 2 of 1,606,562 alleles (0.00012%); highest among the groups gnomAD compares: African/African-American, 0.0027%; no homozygotes.

Submission:

Labcorp Genetics (formerly Invitae), Labcorp
Classification: Uncertain significance for Aicardi-Goutieres syndrome 7; Singleton-Merten syndrome 1. Last evaluated: 2023-09-13. Review status: criteria provided, single submitter. Criteria: Invitae Variant Classification Sherloc (09022015). Collection method: clinical testing. Allele origin: germline.
Comment: In summary, the available evidence is currently insufficient to determine the role of this variant in disease. Therefore, it has been classified as a Variant of Uncertain Significance. Advanced modeling of protein sequence and biophysical properties (such as structural, functional, and spatial information, amino acid conservation, physicochemical variation, residue mobility, and thermodynamic stability) has been performed at Invitae for this missense variant, however the output from this modeling did not meet the statistical confidence thresholds required to predict the impact of this variant on IFIH1 protein function. ClinVar contains an entry for this variant (Variation ID: 1055890). This variant has not been reported in the literature in individuals affected with IFIH1-related conditions. This variant is not present in population databases (gnomAD no frequency). This sequence change replaces serine, which is neutral and polar, with isoleucine, which is neutral and non-polar, at codon 289 of the IFIH1 protein (p.Ser289Ile).

NM_022168.4(IFIH1):c.866G>T (p.Ser289Ile)

Gene: IFIH1 (interferon induced with helicase C domain 1; minus strand). Cytogenetic location: 2q24.2.
Variant type: single nucleotide variant.
Coding change: c.866G>T on transcript NM_022168.4 (MANE Select); coding-DNA position 866, G replaced by T.
Protein change: p.Ser289Ile; replaces serine 289 with isoleucine.
Molecular consequence: missense variant.
Genome position (GRCh38, 1-based): chr2:162,293,572, C>A on the plus strand (G>T on the coding strand, the complement: IFIH1 is on the minus strand). VCF-style: chr2-162293572-C-A. GRCh37 (hg19) VCF-style: chr2-163150082-C-A.
Other names: short protein forms S289I.
Identifiers: ClinVar variation 1055890 (VCV001055890.10), dbSNP rs1683036042, ClinGen allele CA349005842.
Genomic context (GRCh38, chr2:162,293,572, plus strand): 5'-TATGGCGTCTTATTTCACACTTTTTAAGGTTTACACAACAGTTAGGCAGTACCTGAATCA[C>A]TTCCCATGGTGCCTGAATCACTGCCCATGTTGCTGTTATGTCCAAGACTTTCATCTAAGC-3'
Protein context (NP_071451.2, residues 279-299): NMGSDSGTMG[Ser289Ile]DSDEENVAAR